The following is an entry in ClinVar:

NM_001042492.3(NF1):c.214G>A (p.Gly72Arg)

Gene: NF1 (neurofibromin 1; plus strand). Cytogenetic location: 17q11.2.
Variant type: single nucleotide variant.
Coding change: c.214G>A on transcript NM_001042492.3 (MANE Select); coding-DNA position 214, G replaced by A.
Protein change: p.Gly72Arg; replaces glycine 72 with arginine.
Molecular consequence: missense variant.
Genome position (GRCh38, 1-based): chr17:31,159,019, G>A. VCF-style: chr17-31159019-G-A. GRCh37 (hg19) VCF-style: chr17-29486037-G-A.
Other names: c.214G>A, p.Gly72Arg (NM_000267.4, NM_001128147.3); short protein forms G72R.
Identifiers: ClinVar variation 1786724 (VCV001786724.2), dbSNP rs2143645418, ClinGen allele CA398989524.

ClinVar aggregate classification (germline): Uncertain significance (1 of 4 stars; one submission).

Conditions:
Hereditary cancer-predisposing syndrome. Also called: Neoplastic Syndromes, Hereditary; Tumor predisposition; Hereditary Cancer Syndrome; Hereditary neoplastic syndrome. Identifiers: Orphanet 140162, MedGen C0027672, MeSH D009386, MONDO:0015356.
Cardiovascular phenotype. Identifiers: MedGen CN230736.

Submission:

Ambry Genetics
Classification: Uncertain significance for Cardiovascular phenotype; Hereditary cancer-predisposing syndrome. Last evaluated: 2021-02-09. Review status: criteria provided, single submitter. Criteria: Ambry Variant Classification Scheme 2023. Collection method: clinical testing. Allele origin: germline.
Comment: The p.G72R variant (also known as c.214G>A), located in coding exon 3 of the NF1 gene, results from a G to A substitution at nucleotide position 214. The glycine at codon 72 is replaced by arginine, an amino acid with dissimilar properties. This amino acid position is highly conserved in available vertebrate species. In addition, the in silico prediction for this alteration is inconclusive. Since supporting evidence is limited at this time, the clinical significance of this alteration remains unclear.